The following is an entry in ClinVar:

ClinVar aggregate classification (germline): Uncertain significance (1 of 4 stars; one submission).

Conditions:
DDX23-related disorder. Also called: DDX23-related condition.

Submission:

3billion
Classification: Uncertain significance for DDX23-related disorder. Last evaluated: 2025-06-24. Review status: criteria provided, single submitter. Criteria: ACMG Guidelines, 2015. Collection method: clinical testing. Allele origin: germline. Affected: yes.
Comment: The variant is not observed in the gnomAD v4.1.0 dataset. Predicted Consequence/Location: Missense variant. Missense changes are a common disease-causing mechanism. In silico tool predictions suggest damaging effect of the variant on gene or gene product [3Cnet: 0.79 (> 0.75, sensitivity 0.96 and precision 0.92)]. Therefore, this variant is classified as VUS according to the recommendation of ACMG/AMP guideline.

NM_004818.3(DDX23):c.2085C>A (p.His695Gln)

Gene: DDX23 (DEAD-box helicase 23; minus strand). Cytogenetic location: 12q13.12.
Variant type: single nucleotide variant.
Coding change: c.2085C>A on transcript NM_004818.3 (MANE Select); coding-DNA position 2085, C replaced by A.
Protein change: p.His695Gln; replaces histidine 695 with glutamine.
Molecular consequence: missense variant.
Genome position (GRCh38, 1-based): chr12:48,831,296, G>T on the plus strand (C>A on the coding strand, the complement: DDX23 is on the minus strand). VCF-style: chr12-48831296-G-T. GRCh37 (hg19) VCF-style: chr12-49225079-G-T.
Other names: short protein forms H695Q.
Identifiers: ClinVar variation 4856229 (VCV004856229.1).